The following is an entry in ClinVar:

ClinVar aggregate classification (germline): Pathogenic. Review status: criteria provided, multiple submitters, no conflicts (2 of 4 stars). 3 submissions from 3 submitters: Pathogenic (3). Last evaluated 2024-06-08.

Conditions:
PRCD-related disorders.
Retinitis pigmentosa 36 (RP36). Identifiers: Orphanet 791, MedGen C1864621, MONDO:0012523, OMIM 610599.

Submissions (3):

3billion
Classification: Pathogenic for Retinitis pigmentosa 36. Last evaluated: 2024-06-08. Review status: criteria provided, single submitter. Criteria: ACMG Guidelines, 2015. Collection method: clinical testing. Allele origin: germline. Affected: yes.
Comment: The variant is observed at an extremely low frequency in the gnomAD v4.0.0 dataset (total allele frequency: <0.001%). Predicted Consequence/Location: Frameshift: predicted to result in a loss or disruption of normal protein function through nonsense-mediated decay (NMD) or protein truncation. Multiple pathogenic variants are reported downstream of the variant. The variant has been reported at least twice as pathogenic without evidence for the classification (ClinVar ID: VCV000866216). Therefore, this variant is classified as Pathogenic according to the recommendation of ACMG/AMP guideline.

Labcorp Genetics (formerly Invitae), Labcorp
Classification: Pathogenic. Last evaluated: 2022-09-26. Review status: criteria provided, single submitter. Criteria: Invitae Variant Classification Sherloc (09022015). Collection method: clinical testing. Allele origin: germline.
Comment: This sequence change creates a premature translational stop signal (p.Asn21Glufs*32) in the PRCD gene. It is expected to result in an absent or disrupted protein product. Loss-of-function variants in PRCD are known to be pathogenic (PMID: 16938425, 20507925, 23805042, 28181551). The frequency data for this variant in the population databases is considered unreliable, as metrics indicate poor data quality at this position in the gnomAD database. This variant has not been reported in the literature in individuals affected with PRCD-related conditions. ClinVar contains an entry for this variant (Variation ID: 866216). For these reasons, this variant has been classified as Pathogenic.

Blueprint Genetics
Classification: Pathogenic for PRCD-related disorders. Last evaluated: 2022-06-02. Review status: criteria provided, single submitter. Criteria: ACMG Guidelines, 2015. Collection method: clinical testing. Allele origin: germline. Affected: yes. Observed: 3 variant alleles.

Literature cited by the submitters: PubMed 16938425 (cited by Labcorp Genetics (formerly Invitae), Labcorp); PubMed 20507925 (cited by Labcorp Genetics (formerly Invitae), Labcorp); PubMed 23805042 (cited by Labcorp Genetics (formerly Invitae), Labcorp); PubMed 28181551 (cited by Labcorp Genetics (formerly Invitae), Labcorp).

NM_001077620.3(PRCD):c.61_64del (p.Asn21fs)

Genes: CYGB (cytoglobin; minus strand), PRCD (photoreceptor disc component; plus strand). Cytogenetic location: 17q25.1.
Variant type: Deletion.
Coding change: c.61_64del on transcript NM_001077620.3 (MANE Select); coding-DNA positions 61 to 64, 4 bases deleted (AACC; older notation c.61_64delAACC).
Protein change: p.Asn21fs; shifts the reading frame from asparagine 21.
Molecular consequence: frameshift variant.
Genome position (GRCh38, 1-based): chr17:76,540,202-76,540,205, AACC deleted; deleting any 4 consecutive bases within chr17:76,540,200-76,540,205 gives the same sequence; the c. name uses the placement nearest the transcript's 3' end. VCF-style (leftmost placement, unchanged base first): chr17-76540199-GCCAA-G. GRCh37 (hg19) VCF-style: chr17-74536281-GCCAA-G.
Other names: short protein forms N21fs.
Identifiers: ClinVar variation 866216 (VCV000866216.10), dbSNP rs773201535, ClinGen allele CA8787812.